The following is an entry in ClinVar:

NM_152732.5(RSPH9):c.272A>G (p.Glu91Gly)

Gene: RSPH9 (radial spoke head component 9; plus strand). Cytogenetic location: 6p21.1.
Variant type: single nucleotide variant.
Coding change: c.272A>G on transcript NM_152732.5 (MANE Select); coding-DNA position 272, A replaced by G.
Protein change: p.Glu91Gly; replaces glutamic acid 91 with glycine.
Molecular consequence: missense variant. On other transcripts: non-coding transcript variant (1).
Genome position (GRCh38, 1-based): chr6:43,650,419, A>G. VCF-style: chr6-43650419-A-G. GRCh37 (hg19) VCF-style: chr6-43618156-A-G.
Other names: c.272A>G, p.Glu91Gly (NM_001193341.2, NM_001424119.1, NM_001424120.1 and 1 more transcripts); short protein forms E91G.
Identifiers: ClinVar variation 1376100 (VCV001376100.7), dbSNP rs777885477, ClinGen allele CA3828265.

ClinVar aggregate classification (germline): Uncertain significance. Review status: criteria provided, multiple submitters, no conflicts (2 of 4 stars). 3 submissions from 3 submitters: Uncertain significance (3). Last evaluated 2025-01-23.

Conditions:
Primary ciliary dyskinesia 12. Also called: CILIARY DYSKINESIA, PRIMARY, 12, WITHOUT SITUS INVERSUS. Identifiers: Orphanet 244, MedGen C2675228, MONDO:0012979, OMIM 612650.
Primary ciliary dyskinesia. Also called: Ciliary dyskinesia. Identifiers: Orphanet 244, MedGen C0008780, MONDO:0016575, HP:0012265.

Allele frequency attached by ClinVar (database versions not stated): gnomAD 0.00001; ExAC 0.00002; gnomAD exomes 0.00003 and 0.00005; TOPMed 0.00003.
gnomAD v4.1: 83 of 1,613,778 alleles (0.0051%); highest among the groups gnomAD compares: Non-Finnish European, 0.0063%; no homozygotes.

Submissions (3):

Labcorp Genetics (formerly Invitae), Labcorp
Classification: Uncertain significance for Primary ciliary dyskinesia. Last evaluated: 2025-01-23. Review status: criteria provided, single submitter. Criteria: Invitae Variant Classification Sherloc (09022015). Collection method: clinical testing. Allele origin: germline.
Comment: This sequence change replaces glutamic acid, which is acidic and polar, with glycine, which is neutral and non-polar, at codon 91 of the RSPH9 protein (p.Glu91Gly). This variant is present in population databases (rs777885477, gnomAD 0.01%). This variant has not been reported in the literature in individuals affected with RSPH9-related conditions. ClinVar contains an entry for this variant (Variation ID: 1376100). An algorithm developed to predict the effect of missense changes on protein structure and function (PolyPhen-2) suggests that this variant¬†is likely to be tolerated. In summary, the available evidence is currently insufficient to determine the role of this variant in disease. Therefore, it has been classified as a Variant of Uncertain Significance.

Ambry Genetics
Classification: Uncertain significance for Primary ciliary dyskinesia. Last evaluated: 2024-06-16. Review status: criteria provided, single submitter. Criteria: Ambry Variant Classification Scheme 2023. Collection method: clinical testing. Allele origin: germline.

Department of Pathology and Laboratory Medicine, Sinai Health System
Classification: Uncertain significance for Primary ciliary dyskinesia 12. Last evaluated: 2021-07-30. Review status: criteria provided, single submitter. Criteria: ACMG Guidelines, 2015. Collection method: research. Allele origin: germline.